The following is an entry in ClinVar:

ClinVar aggregate classification (germline): Conflicting classifications of pathogenicity. Review status: criteria provided, conflicting classifications (1 of 4 stars). 5 submissions from 5 submitters: Uncertain significance (3); Likely benign (2). Last evaluated 2025-03-13.

Conditions:
Dilated cardiomyopathy 1G (CMD1G). Identifiers: Orphanet 154, MedGen C1858763, MONDO:0011400, OMIM 604145.
Autosomal recessive limb-girdle muscular dystrophy type 2J (LGMDR10). Also called: Limb-girdle muscular dystrophy, type 2J; MUSCULAR DYSTROPHY, LIMB-GIRDLE, AUTOSOMAL RECESSIVE 10. Identifiers: Orphanet 140922, MedGen C1837342, MONDO:0012127, OMIM 608807.

Allele frequency attached by ClinVar (database versions not stated): gnomAD 0.00001 and 0.00002; TOPMed 0.00002; gnomAD exomes 0.00003 and 0.00005; ExAC 0.00008; 1000 Genomes Project 30x 0.00016; 1000 Genomes Project 0.00020.
gnomAD v4.1: 49 of 1,613,952 alleles (0.003%); highest among the groups gnomAD compares: South Asian, 0.019%; no homozygotes.

Submissions (5):

Labcorp Genetics (formerly Invitae), Labcorp
Classification: Uncertain significance for Dilated cardiomyopathy 1G; Autosomal recessive limb-girdle muscular dystrophy type 2J. Last evaluated: 2025-03-13. Review status: criteria provided, single submitter. Criteria: Invitae Variant Classification Sherloc (09022015). Collection method: clinical testing. Allele origin: germline.
Comment: This sequence change replaces glutamic acid, which is acidic and polar, with lysine, which is basic and polar, at codon 34188 of the TTN protein (p.Glu34188Lys). This variant is present in population databases (rs577667352, gnomAD 0.02%). This variant has not been reported in the literature in individuals affected with TTN-related conditions. ClinVar contains an entry for this variant (Variation ID: 501640). Experimental studies and prediction algorithms are not available or were not evaluated, and the functional significance of this variant is currently unknown. This variant is located in the M band of TTN (PMID: 25589632). Non-truncating variants in this region may be relevant for neuromuscular disorders, but have not been definitively shown to cause cardiomyopathy (PMID: 23975875). In summary, the available evidence is currently insufficient to determine the role of this variant in disease. Therefore, it has been classified as a Variant of Uncertain Significance.

Blueprint Genetics
Classification: Likely benign. Last evaluated: 2023-07-26. Review status: criteria provided, single submitter. Criteria: ACMG Guidelines, 2015. Collection method: clinical testing. Allele origin: germline.

GeneDx
Classification: Likely benign. Last evaluated: 2021-05-20. Review status: criteria provided, single submitter. Criteria: GeneDx Variant Classification Process June 2021. Collection method: clinical testing. Allele origin: germline. Affected: yes.

Revvity Omics, Revvity
Classification: Uncertain significance. Last evaluated: 2020-11-23. Review status: criteria provided, single submitter. Criteria: ACMG Guidelines, 2015. Collection method: clinical testing. Allele origin: germline.

Eurofins Ntd Llc (ga)
Classification: Uncertain significance. Last evaluated: 2017-04-27. Review status: criteria provided, single submitter. Criteria: EGL Classification Definitions 2015. Collection method: clinical testing. Allele origin: germline. Observed: 1 variant allele, 1 heterozygote.

Literature cited by the submitters: PubMed 25589632 (cited by Labcorp Genetics (formerly Invitae), Labcorp); PubMed 23975875 (cited by Labcorp Genetics (formerly Invitae), Labcorp).

NM_001267550.2(TTN):c.102562G>A (p.Glu34188Lys)

Genes: TTN (titin; minus strand), TTN-AS1 (TTN antisense RNA 1; plus strand). Cytogenetic location: 2q31.2.
Variant type: single nucleotide variant.
Coding change: c.102562G>A on transcript NM_001267550.2 (MANE Select); coding-DNA position 102562, G replaced by A.
Protein change: p.Glu34188Lys; replaces glutamic acid 34188 with lysine.
Molecular consequence: missense variant.
Genome position (GRCh38, 1-based): chr2:178,534,053, C>T on the plus strand (G>A on the coding strand, the complement: TTN is on the minus strand). VCF-style: chr2-178534053-C-T. GRCh37 (hg19) VCF-style: chr2-179398780-C-T.
Other names: c.97639G>A, p.Glu32547Lys (NM_001256850.1); c.75367G>A, p.Glu25123Lys (NM_003319.4); c.94858G>A, p.Glu31620Lys (NM_133378.4); c.75742G>A, p.Glu25248Lys (NM_133432.3); c.75943G>A, p.Glu25315Lys (NM_133437.4); short protein forms E31620K, E34188K, E32547K, E25123K, E25248K, E25315K.
Identifiers: ClinVar variation 501640 (VCV000501640.20), dbSNP rs577667352, ClinGen allele CA1985734.